The following is an entry in ClinVar:

ClinVar aggregate classification (germline): Uncertain significance (1 of 4 stars; one submission).

Conditions:
SRCAP-related Neurodevelopmental Disorder.

Submission:

Dasa
Classification: Uncertain significance for SRCAP-related Neurodevelopmental Disorder. Last evaluated: 2024-11-05. Review status: criteria provided, single submitter. Criteria: DASA Assertion Criteria. Collection method: clinical testing. Allele origin: germline.
Comment: NM_006662.3(SRCAP):c.6692A>C (p.Glu2231Ala) is a missense variant that results in the substitution of glutamic acid with alanine. This variant is absent from population databases. Computational prediction algorithms are consistent with a benign effect. The currently available literature and clinical evidence are not sufficient to establish a definitive association between this variant and the reported condition. Therefore, this variant is classified as a variant of uncertain significance.

NM_006662.3(SRCAP):c.6692A>C (p.Glu2231Ala)

Gene: SRCAP (Snf2 related CREBBP activator protein; plus strand). Cytogenetic location: 16p11.2.
Variant type: single nucleotide variant.
Coding change: c.6692A>C on transcript NM_006662.3 (MANE Select); coding-DNA position 6692, A replaced by C.
Protein change: p.Glu2231Ala; replaces glutamic acid 2231 with alanine.
Molecular consequence: missense variant.
Genome position (GRCh38, 1-based): chr16:30,734,578, A>C. VCF-style: chr16-30734578-A-C. GRCh37 (hg19) VCF-style: chr16-30745899-A-C.
Other names: short protein forms E2231A.
Identifiers: ClinVar variation 4883297 (VCV004883297.2).
Genomic context (GRCh38, chr16:30,734,578, plus strand): 5'-ATATGCCCCTGGAGGAACCTTCTAGCTCATCCGTGCCCTCTGCCCCTGAAGAGGAGGAAG[A>C]GACTGTGGCCAGCAAGCAGACTCATATTCTGGAGCAGGTAAAAAAAGAGTGGGCAGTTCG-3'
Protein context (NP_006653.2, residues 2221-2241): SVPSAPEEEE[Glu2231Ala]TVASKQTHIL